The following is an entry in ClinVar:

ClinVar aggregate classification (germline): Pathogenic. Review status: reviewed by expert panel (3 of 4 stars). 3 submissions from 3 submitters: Pathogenic (1). 2 of the submissions do not count toward it. Last evaluated 2016-10-18.

Conditions:
Breast-ovarian cancer, familial, susceptibility to, 2 (BROVCA2). Also called: BRCA2 Hereditary Breast and Ovarian Cancer. Identifiers: Orphanet 145, MedGen C2675520, MONDO:0012933, OMIM 612555. Disease mechanism: loss of function.
Hereditary breast ovarian cancer syndrome. Also called: BRCA1- and BRCA2-Associated Hereditary Breast and Ovarian Cancer; Hereditary breast and ovarian cancer; Breast and ovarian cancer; Hereditary breast and/or ovarian cancer syndrome; Hereditary breast and ovarian cancer syndrome; Hereditary breast and ovarian cancer syndrome (HBOC). Identifiers: Orphanet 145, MedGen C0677776, MeSH D061325, MONDO:0003582. Disease mechanism: loss of function.

Submissions (3):

Evidence-based Network for the Interpretation of Germline Mutant Alleles (ENIGMA)
Classification: Pathogenic for Breast-ovarian cancer, familial, susceptibility to, 2. Last evaluated: 2016-10-18. Review status: reviewed by expert panel. Criteria: ENIGMA BRCA1/2 Classification Criteria (2015). Collection method: curation. Allele origin: germline.
Comment: Variant allele predicted to encode a truncated non-functional protein.

Labcorp Genetics (formerly Invitae), Labcorp
Classification: Pathogenic for Hereditary breast ovarian cancer syndrome. Last evaluated: 2024-02-02. Review status: criteria provided, single submitter. Criteria: Invitae Variant Classification Sherloc (09022015). Collection method: clinical testing. Allele origin: germline. Not counted in ClinVar's aggregate classification.
Comment: This sequence change creates a premature translational stop signal (p.Asp1990Argfs*13) in the BRCA2 gene. It is expected to result in an absent or disrupted protein product. Loss-of-function variants in BRCA2 are known to be pathogenic (PMID: 20104584). This variant is not present in population databases (gnomAD no frequency). This premature translational stop signal has been observed in individual(s) with breast and/or ovarian cancer (PMID: 29446198). ClinVar contains an entry for this variant (Variation ID: 266909). For these reasons, this variant has been classified as Pathogenic.

Consortium of Investigators of Modifiers of BRCA1/2 (CIMBA), c/o University of Cambridge
Classification: Pathogenic for Breast-ovarian cancer, familial, susceptibility to, 2. Last evaluated: 2015-10-02. Review status: criteria provided, single submitter. Criteria: CIMBA Mutation Classification guidelines May 2016. Collection method: clinical testing. Allele origin: germline. Not counted in ClinVar's aggregate classification.

Literature cited by the submitters: PubMed 20104584 (cited by Labcorp Genetics (formerly Invitae), Labcorp); PubMed 29446198 (cited by Labcorp Genetics (formerly Invitae), Labcorp).

NM_000059.4(BRCA2):c.5966dup (p.Asp1990fs)

Gene: BRCA2 (BRCA2 DNA repair associated; plus strand). Cytogenetic location: 13q13.1.
Variant type: Duplication.
Coding change: c.5966dup on transcript NM_000059.4 (MANE Select); coding-DNA position 5966, one base duplicated (C; older notation c.5966dupC).
Protein change: p.Asp1990fs; shifts the reading frame from aspartic acid 1990.
Molecular consequence: frameshift variant.
Genome position (GRCh38, 1-based): chr13:32,340,321, C duplicated. VCF-style (leftmost placement, unchanged base first): chr13-32340320-T-TC. GRCh37 (hg19) VCF-style: chr13-32914457-T-TC.
Other names: 6194insC; c.5966dupC (NM_000059.3); short protein forms D1990fs.
Identifiers: ClinVar variation 266909 (VCV000266909.12), dbSNP rs886040623, ClinGen allele CA10589340.